The following is an entry in ClinVar:

NM_000153.4(GALC):c.622-162del

Gene: GALC (galactosylceramidase; minus strand). Cytogenetic location: 14q31.3.
Variant type: Deletion.
Coding change: c.622-162del on transcript NM_000153.4 (MANE Select); 162 bases into the intron before coding-DNA position 622, one base deleted (G; older notation c.622-162delG).
Molecular consequence: intron variant.
Genome position (GRCh38, 1-based): chr14:87,976,650, C deleted on the plus strand (G on the coding strand, the reverse complement: GALC is on the minus strand). VCF-style (leftmost placement, unchanged base first): chr14-87976649-TC-T. GRCh37 (hg19) VCF-style: chr14-88442993-TC-T.
Other names: c.544-162del (NM_001201402.2); c.553-162del (NM_001201401.2).
Identifiers: ClinVar variation 681827 (VCV000681827.1), dbSNP rs112016425, ClinGen allele CA264708420.

ClinVar aggregate classification (germline): Benign (1 of 4 stars; one submission).

Allele frequency attached by ClinVar (database versions not stated): 1000 Genomes Project 0.07947; 1000 Genomes Project 30x 0.08182; gnomAD 0.11276 and 0.11400; gnomAD exomes 0.13534.

Submission:

GeneDx
Classification: Benign. Last evaluated: 2018-06-19. Review status: criteria provided, single submitter. Criteria: GeneDx Variant Classification (06012015). Collection method: clinical testing. Allele origin: germline. Affected: yes.
Comment: This variant is considered likely benign or benign based on one or more of the following criteria: it is a conservative change, it occurs at a poorly conserved position in the protein, it is predicted to be benign by multiple in silico algorithms, and/or has population frequency not consistent with disease.